The following is an entry in ClinVar:

ClinVar aggregate classification (somatic clinical impact): Tier I - Strong (1 of 4 stars; one submission).

Conditions:
Embryonal rhabdomyosarcoma (ERMS). Also called: Botryoid rhabdomyosarcoma (type of ERMS); Spindle cell rhabdomyosarcomas (type of ERMS). Identifiers: Orphanet 99757, MedGen C0206656, MONDO:0009993, HP:0006743.

Submission:

Institute for Genomic Medicine (IGM) Clinical Laboratory, Nationwide Children's Hospital
Classification: Tier I - Strong for Embryonal rhabdomyosarcoma. Assertion type: diagnostic. Clinical significance: supports diagnosis. Last evaluated: 2025-07-22. Review status: criteria provided, single submitter. Criteria: AMP/ASCO/CAP Guidelines, 2017. Collection method: clinical testing. Allele origin: somatic. Affected: yes.
Comment: Variant has Tier I (strong) clinical significance as a diagnostic inclusion criterion in embryonal rhabdomyosarcoma, based on the following evidence: 1) Documented in one or more cancer databases (e.g., St. Jude Pecan, COSMIC, CIViC, OncoKB). 2) Appears in one or more well-established professional guidelines (e.g., World Health Organization [WHO]; National Comprehensive Cancer Network [NCCN]) as providing diagnostic, prognostic, or therapeutic information. 3) Information in the literature supports potential biologic effect of variant (PMIDs: 19809159, 25317566). 4) Diagnostic for a specific tumor type/classification based on well-powered studies with expert-level consensus (Evidence Level B; PMIDs: 24436047, 34166060, 24332040, 25768946, 19809159, 35705560).

Literature cited by the submitters: PubMed 19809159; PubMed 25317566; PubMed 24436047; PubMed 34166060; PubMed 24332040; PubMed 25768946; PubMed 35705560.

NM_213647.3(FGFR4):c.1603A>G (p.Asn535Asp)

Gene: FGFR4 (fibroblast growth factor receptor 4; plus strand). Cytogenetic location: 5q35.2.
Variant type: single nucleotide variant.
Coding change: c.1603A>G on transcript NM_213647.3 (MANE Select); coding-DNA position 1603, A replaced by G.
Protein change: p.Asn535Asp; replaces asparagine 535 with aspartic acid.
Molecular consequence: missense variant.
Genome position (GRCh38, 1-based): chr5:177,095,413, A>G. VCF-style: chr5-177095413-A-G. GRCh37 (hg19) VCF-style: chr5-176522414-A-G.
Other names: c.1399A>G, p.Asn467Asp (NM_001291980.2); c.1603A>G, p.Asn535Asp (NM_001354984.2, NM_002011.5); c.1483A>G, p.Asn495Asp (NM_022963.3); short protein forms N467D, N495D, N535D.
Identifiers: ClinVar variation 4530233 (VCV004530233.1).